The following is an entry in ClinVar:

NM_006182.4(DDR2):c.850A>T (p.Met284Leu)

Gene: DDR2 (discoidin domain receptor tyrosine kinase 2; plus strand). Cytogenetic location: 1q23.3.
Variant type: single nucleotide variant.
Coding change: c.850A>T on transcript NM_006182.4 (MANE Select); coding-DNA position 850, A replaced by T.
Protein change: p.Met284Leu; replaces methionine 284 with leucine.
Molecular consequence: missense variant.
Genome position (GRCh38, 1-based): chr1:162,759,974, A>T. VCF-style: chr1-162759974-A-T. GRCh37 (hg19) VCF-style: chr1-162729764-A-T.
Other names: c.850A>T, p.Met284Leu (NM_001014796.3, NM_001354982.2, NM_001354983.2); short protein forms M284L.
Identifiers: ClinVar variation 4781420 (VCV004781420.1).

ClinVar aggregate classification (germline): Uncertain significance (1 of 4 stars; one submission).

Submission:

Labcorp Genetics (formerly Invitae), Labcorp
Classification: Uncertain significance. Last evaluated: 2025-10-28. Review status: criteria provided, single submitter. Criteria: Invitae Variant Classification Sherloc (09022015). Collection method: clinical testing. Allele origin: germline.
Comment: This sequence change replaces methionine, which is neutral and non-polar, with leucine, which is neutral and non-polar, at codon 284 of the DDR2 protein (p.Met284Leu). This variant is not present in population databases (gnomAD no frequency). This variant has not been reported in the literature in individuals affected with DDR2-related conditions. An algorithm developed to predict the effect of missense changes on protein structure and function (PolyPhen-2) suggests that this variant is likely to be tolerated. In summary, the available evidence is currently insufficient to determine the role of this variant in disease. Therefore, it has been classified as a Variant of Uncertain Significance.